The following is an entry in ClinVar:

NM_031885.5(BBS2):c.1311C>T (p.Leu437=)

Gene: BBS2 (Bardet-Biedl syndrome 2; minus strand). Cytogenetic location: 16q13.
Variant type: single nucleotide variant.
Coding change: c.1311C>T on transcript NM_031885.5 (MANE Select); coding-DNA position 1311, C replaced by T.
Protein change: p.Leu437=; no amino-acid change (leucine 437 retained).
Molecular consequence: synonymous variant. On other transcripts: non-coding transcript variant (2).
Genome position (GRCh38, 1-based): chr16:56,500,940, G>A on the plus strand (C>T on the coding strand, the complement: BBS2 is on the minus strand). VCF-style: chr16-56500940-G-A. GRCh37 (hg19) VCF-style: chr16-56534852-G-A.
Other names: c.1311C>T, p.Leu437= (NM_001377456.1).
Identifiers: ClinVar variation 4986846 (VCV004986846.1).
Genomic context (GRCh38, chr16:56,500,940, plus strand): 5'-CAAGTGCAGATCCACAGGGACATCTTTGGGAGGCACAATAGGGATGCAGATGGAACTGGA[G>A]AGGTTGTGAATGCTGGGATGTACCACGTGGCTTTCACCTGTAAAAATTCCTTCTGCAAAA-3'
Protein context (NP_114091.4, residues 427-447): SHVVHPSIHN[Leu437=]SSSICIPIVP

ClinVar aggregate classification (germline): Likely benign (1 of 4 stars; one submission).

Conditions:
BBS2-related disorder. Also called: BBS2-related condition; BBS2-related disorders. Identifiers: MedGen CN239228.

gnomAD v4.1: 1 of 1,614,050 alleles (0.000062%); highest among the groups gnomAD compares: African/African-American, 0.0013%; no homozygotes.

Submission:

PreventionGenetics, part of Exact Sciences
Classification: Likely benign for BBS2-related condition. Last evaluated: 2025-05-06. Review status: criteria provided, single submitter. Criteria: ACMG Guidelines, 2015. Collection method: clinical testing. Allele origin: germline.
Comment: This variant is classified as likely benign based on ACMG/AMP sequence variant interpretation guidelines (Richards et al. 2015 PMID: 25741868, with internal and published modifications).